The following is an entry in ClinVar:

ClinVar aggregate classification (germline): Uncertain significance (1 of 4 stars; one submission).

Allele frequency attached by ClinVar (database versions not stated): gnomAD exomes below 0.00001.

Submission:

Labcorp Genetics (formerly Invitae), Labcorp
Classification: Uncertain significance. Last evaluated: 2023-07-13. Review status: criteria provided, single submitter. Criteria: Invitae Variant Classification Sherloc (09022015). Collection method: clinical testing. Allele origin: germline.
Comment: This variant has not been reported in the literature in individuals affected with DLL1-related conditions. This variant is not present in population databases (gnomAD no frequency). This sequence change replaces glycine, which is neutral and non-polar, with arginine, which is basic and polar, at codon 98 of the DLL1 protein (p.Gly98Arg). ClinVar contains an entry for this variant (Variation ID: 1419794). In summary, the available evidence is currently insufficient to determine the role of this variant in disease. Therefore, it has been classified as a Variant of Uncertain Significance. An algorithm developed to predict the effect of missense changes on protein structure and function (PolyPhen-2) suggests that this variant is likely to be tolerated.

NM_005618.4(DLL1):c.292G>A (p.Gly98Arg)

Gene: DLL1 (delta like canonical Notch ligand 1; minus strand). Cytogenetic location: 6q27.
Variant type: single nucleotide variant.
Coding change: c.292G>A on transcript NM_005618.4 (MANE Select); coding-DNA position 292, G replaced by A.
Protein change: p.Gly98Arg; replaces glycine 98 with arginine.
Molecular consequence: missense variant.
Genome position (GRCh38, 1-based): chr6:170,289,571, C>T on the plus strand (G>A on the coding strand, the complement: DLL1 is on the minus strand). VCF-style: chr6-170289571-C-T. GRCh37 (hg19) VCF-style: chr6-170598659-C-T.
Other names: short protein forms G98R.
Identifiers: ClinVar variation 1419794 (VCV001419794.8), dbSNP rs1783801375, ClinGen allele CA366509921.